The following is an entry in ClinVar:

NM_024529.5(CDC73):c.1439A>G (p.Tyr480Cys)

Gene: CDC73 (cell division cycle 73; plus strand). Cytogenetic location: 1q31.2.
Variant type: single nucleotide variant.
Coding change: c.1439A>G on transcript NM_024529.5 (MANE Select); coding-DNA position 1439, A replaced by G.
Protein change: p.Tyr480Cys; replaces tyrosine 480 with cysteine.
Molecular consequence: missense variant.
Genome position (GRCh38, 1-based): chr1:193,249,751, A>G. VCF-style: chr1-193249751-A-G. GRCh37 (hg19) VCF-style: chr1-193218881-A-G.
Other names: short protein forms Y480C.
Identifiers: ClinVar variation 1772659 (VCV001772659.3), dbSNP rs2102073288, ClinGen allele CA344078381.

ClinVar aggregate classification (germline): Uncertain significance (1 of 4 stars; one submission).

Conditions:
Hereditary cancer-predisposing syndrome. Also called: Hereditary Cancer Syndrome; Hereditary neoplastic syndrome; Neoplastic Syndromes, Hereditary; Tumor predisposition. Identifiers: Orphanet 140162, MedGen C0027672, MeSH D009386, MONDO:0015356.

Submission:

Ambry Genetics
Classification: Uncertain significance for Hereditary cancer-predisposing syndrome. Last evaluated: 2024-11-21. Review status: criteria provided, single submitter. Criteria: Ambry Variant Classification Scheme 2023. Collection method: clinical testing. Allele origin: germline.
Comment: The p.Y480C variant (also known as c.1439A>G), located in coding exon 16 of the CDC73 gene, results from an A to G substitution at nucleotide position 1439. The tyrosine at codon 480 is replaced by cysteine, an amino acid with highly dissimilar properties. This amino acid position is conserved. In addition, this alteration is predicted to be deleterious by in silico analysis. Since supporting evidence is limited at this time, the clinical significance of this alteration remains unclear.